The following is an entry in ClinVar:

NM_024675.4(PALB2):c.2090G>A (p.Gly697Asp)

Gene: PALB2 (partner and localizer of BRCA2; minus strand). Cytogenetic location: 16p12.2.
Variant type: single nucleotide variant.
Coding change: c.2090G>A on transcript NM_024675.4 (MANE Select); coding-DNA position 2090, G replaced by A.
Protein change: p.Gly697Asp; replaces glycine 697 with aspartic acid.
Molecular consequence: missense variant.
Genome position (GRCh38, 1-based): chr16:23,630,064, C>T on the plus strand (G>A on the coding strand, the complement: PALB2 is on the minus strand). VCF-style: chr16-23630064-C-T. GRCh37 (hg19) VCF-style: chr16-23641385-C-T.
Other names: c.2090G>A, p.Gly697Asp (NM_001407300.1, NM_001407301.1, NM_001407302.1 and 3 more transcripts); c.1205G>A, p.Gly402Asp (NM_001407304.1, NM_001407305.1, NM_001407306.1 and 5 more transcripts); c.2030G>A, p.Gly677Asp (NM_001407296.1); c.302G>A, p.Gly101Asp (NM_001407312.1, NM_001407313.1); short protein forms G101D, G402D, G677D, G697D.
Identifiers: ClinVar variation 1720136 (VCV001720136.6), dbSNP rs2142381427, ClinGen allele CA395125815.
Genomic context (GRCh38, chr16:23,630,064, plus strand): 5'-TCATTATCATCAGGCGCAACCGTATTTAAAGGAGTATAAAGTAATATGGATGAAGAAAGG[C>T]CCGTCTTTGTATGCTGGCTTTGCGAGTTTGGCCTTTTGGGATGTGATTTTCCTGGTAGAA-3'
Protein context (NP_078951.2, residues 687-707): PNSQSQHTKT[Gly697Asp]LSSSILLYTP

ClinVar aggregate classification (germline): Conflicting classifications of pathogenicity. Review status: criteria provided, conflicting classifications (1 of 4 stars). 2 submissions from 2 submitters: Uncertain significance (1); Likely benign (1). Last evaluated 2026-02-11.

Conditions:
Hereditary cancer-predisposing syndrome. Also called: Tumor predisposition; Hereditary Cancer Syndrome; Hereditary neoplastic syndrome; Neoplastic Syndromes, Hereditary. Identifiers: Orphanet 140162, MedGen C0027672, MeSH D009386, MONDO:0015356.
Familial cancer of breast. Also called: BREAST CANCER, FAMILIAL; Hereditary breast cancer; hereditary breast carcinoma. Identifiers: Orphanet 227535, MedGen C0346153, MONDO:0016419, OMIM 114480. Disease mechanism: loss of function.

Submissions (2):

Ambry Genetics
Classification: Likely benign for Hereditary cancer-predisposing syndrome. Last evaluated: 2026-02-11. Review status: criteria provided, single submitter. Criteria: Ambry Variant Classification Scheme 2023. Collection method: clinical testing. Allele origin: germline.

Labcorp Genetics (formerly Invitae), Labcorp
Classification: Uncertain significance for Familial cancer of breast. Last evaluated: 2025-08-03. Review status: criteria provided, single submitter. Criteria: Invitae Variant Classification Sherloc (09022015). Collection method: clinical testing. Allele origin: germline.
Comment: This sequence change replaces glycine, which is neutral and non-polar, with aspartic acid, which is acidic and polar, at codon 697 of the PALB2 protein (p.Gly697Asp). This variant is not present in population databases (gnomAD no frequency). This variant has not been reported in the literature in individuals affected with PALB2-related conditions. ClinVar contains an entry for this variant (Variation ID: 1720136). Invitae Evidence Modeling of protein sequence and biophysical properties (such as structural, functional, and spatial information, amino acid conservation, physicochemical variation, residue mobility, and thermodynamic stability) indicates that this missense variant is not expected to disrupt PALB2 protein function with a negative predictive value of 80%. In summary, the available evidence is currently insufficient to determine the role of this variant in disease. Therefore, it has been classified as a Variant of Uncertain Significance.